The following is an entry in ClinVar:

ClinVar aggregate classification (germline): Conflicting classifications of pathogenicity. Review status: criteria provided, conflicting classifications (1 of 4 stars). 8 submissions from 8 submitters: Uncertain significance (5); Likely benign (2). 1 of the submissions does not count toward it. Last evaluated 2026-01-21.

Conditions:
LAMA2-related disorder. Also called: LAMA2-related disorders; LAMA2-related condition.
Inborn genetic diseases. Identifiers: MedGen C0950123, MeSH D030342.
LAMA2-related muscular dystrophy (LAMA2-RD). Also called: Laminin alpha 2-related dystrophy. Identifiers: MedGen C5679788, MONDO:0100228.

Allele frequency attached by ClinVar (database versions not stated): gnomAD exomes 0.00014 and 0.00037; ExAC 0.00045; ESP Exome Variant Server 0.00138; gnomAD 0.00155 and 0.00164; 1000 Genomes Project 0.00160; TOPMed 0.00168; 1000 Genomes Project 30x 0.00219.
gnomAD v4.1: 451 of 1,612,428 alleles (0.028%); highest among the groups gnomAD compares: African/African-American, 0.55%; no homozygotes.

Submissions (8):

Labcorp Genetics (formerly Invitae), Labcorp
Classification: Likely benign for LAMA2-related muscular dystrophy. Last evaluated: 2026-01-21. Review status: criteria provided, single submitter. Criteria: Invitae Variant Classification Sherloc (09022015). Collection method: clinical testing. Allele origin: germline.

Mayo Clinic Laboratories, Mayo Clinic
Classification: Uncertain significance. Last evaluated: 2025-11-13. Review status: criteria provided, single submitter. Criteria: ACMG Guidelines, 2015. Collection method: clinical testing. Allele origin: germline. Observed: 5 variant alleles.
Comment: BS1, PP3

Revvity Omics, Revvity
Classification: Uncertain significance. Last evaluated: 2025-07-24. Review status: criteria provided, single submitter. Criteria: ACMG Guidelines, 2015. Collection method: clinical testing. Allele origin: germline.

Blueprint Genetics
Classification: Uncertain significance. Last evaluated: 2024-11-13. Review status: criteria provided, single submitter. Criteria: ACMG Guidelines, 2015. Collection method: clinical testing. Allele origin: germline.

Ambry Genetics
Classification: Likely benign for Inborn genetic diseases. Last evaluated: 2024-06-17. Review status: criteria provided, single submitter. Criteria: Ambry Variant Classification Scheme 2023. Collection method: clinical testing. Allele origin: germline.

GeneDx
Classification: Uncertain significance. Last evaluated: 2024-03-28. Review status: criteria provided, single submitter. Criteria: GeneDx Variant Classification Process June 2021. Collection method: clinical testing. Allele origin: germline. Affected: yes.
Comment: In silico analysis supports that this missense variant has a deleterious effect on protein structure/function; Has not been previously published as pathogenic or benign to our knowledge

Eurofins Ntd Llc (ga)
Classification: Uncertain significance. Last evaluated: 2013-05-29. Review status: criteria provided, single submitter. Criteria: EGL Classification Definitions 2015. Collection method: clinical testing. Allele origin: germline. Observed: 1 variant allele, 1 heterozygote.

PreventionGenetics, part of Exact Sciences
Classification: Likely benign for LAMA2-related condition. Last evaluated: 2020-08-26. Review status: no assertion criteria provided. Collection method: clinical testing. Allele origin: germline. Not counted in ClinVar's aggregate classification.
Comment: This variant is classified as likely benign based on ACMG/AMP sequence variant interpretation guidelines (Richards et al. 2015 PMID: 25741868, with internal and published modifications).

NM_000426.4(LAMA2):c.7111T>G (p.Phe2371Val)

Gene: LAMA2 (laminin subunit alpha 2; plus strand). Cytogenetic location: 6q22.33.
Variant type: single nucleotide variant.
Coding change: c.7111T>G on transcript NM_000426.4 (MANE Select); coding-DNA position 7111, T replaced by G.
Protein change: p.Phe2371Val; replaces phenylalanine 2371 with valine.
Molecular consequence: missense variant.
Genome position (GRCh38, 1-based): chr6:129,464,408, T>G. VCF-style: chr6-129464408-T-G. GRCh37 (hg19) VCF-style: chr6-129785553-T-G.
Other names: c.7111T>G, p.Phe2371Val (NM_001079823.2); short protein forms F2371V.
Identifiers: ClinVar variation 92981 (VCV000092981.29), dbSNP rs150644209, ClinGen allele CA220795.
Genomic context (GRCh38, chr6:129,464,408, plus strand): 5'-GTCAGCCGTCCCATTCGCTGGTACCCCAACATCTCCACTGTCATGTTCAAGTTCAGAACA[T>G]TTTCTTCGAGTGCTCTTCTGATGTATCTTGCCACACGAGACCTGGTAAAGATCATATGCA-3'
Protein context (NP_000417.3, residues 2361-2381): ISTVMFKFRT[Phe2371Val]SSSALLMYLA